The following is an entry in ClinVar:

NM_004588.5(SCN2B):c.404G>A (p.Arg135His)

Gene: SCN2B (sodium voltage-gated channel beta subunit 2; minus strand). Cytogenetic location: 11q23.3.
Variant type: single nucleotide variant.
Coding change: c.404G>A on transcript NM_004588.5 (MANE Select); coding-DNA position 404, G replaced by A.
Protein change: p.Arg135His; replaces arginine 135 with histidine.
Molecular consequence: missense variant.
Genome position (GRCh38, 1-based): chr11:118,168,129, C>T on the plus strand (G>A on the coding strand, the complement: SCN2B is on the minus strand). VCF-style: chr11-118168129-C-T. GRCh37 (hg19) VCF-style: chr11-118038844-C-T.
Other names: short protein forms R135H.
Identifiers: ClinVar variation 1737352 (VCV001737352.4), dbSNP rs370514575, ClinGen allele CA6300462.

ClinVar aggregate classification (germline): Uncertain significance. Review status: criteria provided, multiple submitters, no conflicts (2 of 4 stars). 2 submissions from 2 submitters: Uncertain significance (2). Last evaluated 2023-06-13.

Conditions:
SCN2B-related disorder. Also called: SCN2B-related condition.
Cardiovascular phenotype. Identifiers: MedGen CN230736.

Allele frequency attached by ClinVar (database versions not stated): gnomAD exomes below 0.00001; gnomAD 0.00001; TOPMed 0.00001; ExAC 0.00002; ESP Exome Variant Server 0.00008.
gnomAD v4.1: 7 of 1,614,022 alleles (0.00043%); highest among the groups gnomAD compares: East Asian, 0.0022%; no homozygotes.

Submissions (2):

PreventionGenetics, part of Exact Sciences
Classification: Uncertain significance for SCN2B-related condition. Last evaluated: 2023-06-13. Review status: criteria provided, single submitter. Criteria: ACMG Guidelines, 2015. Collection method: clinical testing. Allele origin: germline.
Comment: The SCN2B c.404G>A variant is predicted to result in the amino acid substitution p.Arg135His. To our knowledge, this variant has not been reported in the literature. This variant is reported in 0.0054% of alleles in individuals of East Asian descent in gnomAD. At this time, the clinical significance of this variant is uncertain due to the absence of conclusive functional and genetic evidence.

Ambry Genetics
Classification: Uncertain significance for Cardiovascular phenotype. Last evaluated: 2023-06-12. Review status: criteria provided, single submitter. Criteria: Ambry Variant Classification Scheme 2023. Collection method: clinical testing. Allele origin: germline.
Comment: The p.R135H variant (also known as c.404G>A), located in coding exon 3 of the SCN2B gene, results from a G to A substitution at nucleotide position 404. The arginine at codon 135 is replaced by histidine, an amino acid with highly similar properties. This variant co-occurred with other variants in cardiac-related genes in an individual reported to have Wolff-Parkinson-White syndrome (van Lint FHM et al. Neth Heart J, 2019 Jun;27:304-309). This amino acid position is highly conserved in available vertebrate species. In addition, the in silico prediction for this alteration is inconclusive. Since supporting evidence is limited at this time, the clinical significance of this alteration remains unclear.

Literature cited by the submitters: PubMed 30847666 (cited by Ambry Genetics).